The following is an entry in ClinVar:

ClinVar aggregate classification (germline): not provided (0 of 4 stars; one submission).

Conditions:
Hyperimmunoglobulin D with periodic fever (HIDS). Also called: HYPERIMMUNOGLOBULINEMIA D AND PERIODIC FEVER SYNDROME; Hyperimmunoglobulinemia D; Hyperimmunoglobulinemia D with periodic fever. Identifiers: Orphanet 343, MedGen C0398691, MONDO:0009849, OMIM 260920.

Submission:

Unité médicale des maladies autoinflammatoires, CHRU Montpellier
No classification provided. Condition: Hyperimmunoglobulin D with periodic fever. Review status: no classification provided. Collection method: not provided. Allele origin: unknown.
Comment: also involved in OMIM 25117

NM_000431.4(MVK):c.701T>C (p.Leu234Pro)

Gene: MVK (mevalonate kinase; plus strand). Cytogenetic location: 12q24.11.
Variant type: single nucleotide variant.
Coding change: c.701T>C on transcript NM_000431.4 (MANE Select); coding-DNA position 701, T replaced by C.
Protein change: p.Leu234Pro; replaces leucine 234 with proline.
Molecular consequence: missense variant.
Genome position (GRCh38, 1-based): chr12:109,590,794, T>C. VCF-style: chr12-109590794-T-C. GRCh37 (hg19) VCF-style: chr12-110028599-T-C.
Other names: c.701T>C, p.Leu234Pro (NM_001114185.3); c.545T>C, p.Leu182Pro (NM_001301182.2); short protein forms L234P, L182P.
Identifiers: ClinVar variation 97611 (VCV000097611.1), dbSNP rs104895365, ClinGen allele CA149876.